The following is an entry in ClinVar:

NM_002693.3(POLG):c.2167G>C (p.Gly723Arg)

Gene: POLG (DNA polymerase gamma, catalytic subunit; minus strand). Cytogenetic location: 15q26.1.
Variant type: single nucleotide variant.
Coding change: c.2167G>C on transcript NM_002693.3 (MANE Select); coding-DNA position 2167, G replaced by C.
Protein change: p.Gly723Arg; replaces glycine 723 with arginine.
Molecular consequence: missense variant.
Genome position (GRCh38, 1-based): chr15:89,323,502, C>G on the plus strand (G>C on the coding strand, the complement: POLG is on the minus strand). VCF-style: chr15-89323502-C-G. GRCh37 (hg19) VCF-style: chr15-89866733-C-G.
Other names: c.2167G>C, p.Gly723Arg (NM_001126131.2); short protein forms G723R.
Identifiers: ClinVar variation 961408 (VCV000961408.9), dbSNP rs762070650, ClinGen allele CA7724554.

ClinVar aggregate classification (germline): Uncertain significance. Review status: criteria provided, multiple submitters, no conflicts (2 of 4 stars). 3 submissions from 3 submitters: Uncertain significance (3). Last evaluated 2026-01-27.

Conditions:
Inborn genetic diseases. Identifiers: MedGen C0950123, MeSH D030342.
Progressive sclerosing poliodystrophy (MTDPS4A). Also called: Alpers Syndrome; ALPERS DIFFUSE DEGENERATION OF CEREBRAL GRAY MATTER WITH HEPATIC CIRRHOSIS; Alpers-Huttenlocher Syndrome; Alpers-Huttenlocher Syndrome (AHS); Mitochondrial DNA depletion syndrome 4A (Alpers type); NEURONAL DEGENERATION OF CHILDHOOD WITH LIVER DISEASE, PROGRESSIVE. Identifiers: Orphanet 726, MedGen C0205710, MONDO:0008758, OMIM 203700.

Allele frequency attached by ClinVar (database versions not stated): TOPMed 0.00001; ExAC 0.00002.
gnomAD v4.1: 44 of 1,610,460 alleles (0.0027%); highest among the groups gnomAD compares: Non-Finnish European, 0.0037%; no homozygotes.

Submissions (3):

Labcorp Genetics (formerly Invitae), Labcorp
Classification: Uncertain significance for Progressive sclerosing poliodystrophy. Last evaluated: 2026-01-27. Review status: criteria provided, single submitter. Criteria: Invitae Variant Classification Sherloc (09022015). Collection method: clinical testing. Allele origin: germline.
Comment: This sequence change replaces glycine, which is neutral and non-polar, with arginine, which is basic and polar, at codon 723 of the POLG protein (p.Gly723Arg). This variant is present in population databases (rs762070650, gnomAD 0.004%). This variant has not been reported in the literature in individuals affected with POLG-related conditions. ClinVar contains an entry for this variant (Variation ID: 961408). Invitae Evidence Modeling of protein sequence and biophysical properties (such as structural, functional, and spatial information, amino acid conservation, physicochemical variation, residue mobility, and thermodynamic stability) indicates that this missense variant is not expected to disrupt POLG protein function with a negative predictive value of 95%. In summary, the available evidence is currently insufficient to determine the role of this variant in disease. Therefore, it has been classified as a Variant of Uncertain Significance.

Blueprint Genetics
Classification: Uncertain significance. Last evaluated: 2023-12-12. Review status: criteria provided, single submitter. Criteria: ACMG Guidelines, 2015. Collection method: clinical testing. Allele origin: germline.

Ambry Genetics
Classification: Uncertain significance for Inborn genetic diseases. Last evaluated: 2021-08-13. Review status: criteria provided, single submitter. Criteria: Ambry Variant Classification Scheme 2023. Collection method: clinical testing. Allele origin: germline.